The following is an entry in ClinVar:

NM_000152.5(GAA):c.1699A>C (p.Thr567Pro)

Gene: GAA (alpha glucosidase; plus strand). Cytogenetic location: 17q25.3.
Variant type: single nucleotide variant.
Coding change: c.1699A>C on transcript NM_000152.5 (MANE Select); coding-DNA position 1699, A replaced by C.
Protein change: p.Thr567Pro; replaces threonine 567 with proline.
Molecular consequence: missense variant.
Genome position (GRCh38, 1-based): chr17:80,112,045, A>C. VCF-style: chr17-80112045-A-C. GRCh37 (hg19) VCF-style: chr17-78085844-A-C.
Other names: c.1699A>C, p.Thr567Pro (NM_001079803.3, NM_001079804.3); short protein forms T567P.
Identifiers: ClinVar variation 1023984 (VCV001023984.9), dbSNP rs543222774, ClinGen allele CA294895795.

ClinVar aggregate classification (germline): Uncertain significance (1 of 4 stars; one submission).

Conditions:
Glycogen storage disease, type II (IOPD). Also called: Glycogen storage disease type 2; Acid maltase deficiency disease; Aglucosidase alfa; Deficiency of alpha-glucosidase; Deficiency of lysosomal alpha-glucosidase; GSD II. Identifiers: Orphanet 365, MedGen C0017921, MONDO:0009290, OMIM 232300.

Allele frequency attached by ClinVar (database versions not stated): gnomAD exomes below 0.00001; gnomAD 0.00001; 1000 Genomes Project 30x 0.00016; 1000 Genomes Project 0.00020.
gnomAD v4.1: 2 of 1,614,008 alleles (0.00012%); highest among the groups gnomAD compares: East Asian, 0.0045%; no homozygotes.

Submission:

Labcorp Genetics (formerly Invitae), Labcorp
Classification: Uncertain significance for Glycogen storage disease, type II. Last evaluated: 2018-02-19. Review status: criteria provided, single submitter. Criteria: Invitae Variant Classification Sherloc (09022015). Collection method: clinical testing. Allele origin: germline.
Comment: This sequence change replaces threonine with proline at codon 567 of the GAA protein (p.Thr567Pro). The threonine residue is moderately conserved and there is a small physicochemical difference between threonine and proline. This variant is not present in population databases (ExAC no frequency). This variant has not been reported in the literature in individuals with GAA-related disease. Algorithms developed to predict the effect of missense changes on protein structure and function (SIFT, PolyPhen-2, Align-GVGD) all suggest that this variant is likely to be tolerated, but these predictions have not been confirmed by published functional studies and their clinical significance is uncertain. In summary, the available evidence is currently insufficient to determine the role of this variant in disease. Therefore, it has been classified as a Variant of Uncertain Significance.